The following is an entry in ClinVar:

ClinVar aggregate classification (germline): Uncertain significance (1 of 4 stars; one submission).

Submission:

Labcorp Genetics (formerly Invitae), Labcorp
Classification: Uncertain significance. Last evaluated: 2024-12-19. Review status: criteria provided, single submitter. Criteria: Invitae Variant Classification Sherloc (09022015). Collection method: clinical testing. Allele origin: germline.
Comment: This variant, c.86_97dup, results in the insertion of 4 amino acid(s) of the FBXO11 protein (p.Gln29_Pro32dup), but otherwise preserves the integrity of the reading frame. The frequency data for this variant in the population databases is considered unreliable, as metrics indicate poor data quality at this position in the gnomAD database. This variant has not been reported in the literature in individuals affected with FBXO11-related conditions. ClinVar contains an entry for this variant (Variation ID: 1434557). Experimental studies and prediction algorithms are not available or were not evaluated, and the functional significance of this variant is currently unknown. In summary, the available evidence is currently insufficient to determine the role of this variant in disease. Therefore, it has been classified as a Variant of Uncertain Significance.

NM_001190274.2(FBXO11):c.86_97dup (p.25QQPP[3])

Genes: FBXO11 (F-box protein 11; minus strand), LOC100506235 (uncharacterized LOC100506235; plus strand). Cytogenetic location: 2p16.3.
Variant type: Duplication.
Coding change: c.86_97dup on transcript NM_001190274.2 (MANE Select); coding-DNA positions 86 to 97, 12 bases duplicated (AGCAGCCGCCGC).
Protein change: p.25QQPP[3].
Molecular consequence: inframe insertion.
Genome position (GRCh38, 1-based): chr2:47,905,624-47,905,635, GCGGCGGCTGCT duplicated on the plus strand (AGCAGCCGCCGC on the coding strand, the reverse complement: FBXO11 is on the minus strand); duplicating any 12 consecutive bases within chr2:47,905,624-47,905,639 gives the same sequence; the c. name uses the placement nearest the transcript's 3' end. VCF-style (leftmost placement, unchanged base first): chr2-47905623-G-GGCGGCGGCTGCT. GRCh37 (hg19) VCF-style: chr2-48132762-G-GGCGGCGGCTGCT.
Identifiers: ClinVar variation 1434557 (VCV001434557.8), dbSNP rs1348767844, ClinGen allele CA532707595.